The following is an entry in ClinVar:

NM_014804.3(KIAA0753):c.1315+1G>T

Gene: KIAA0753 (KIAA0753; minus strand). Cytogenetic location: 17p13.1.
Variant type: single nucleotide variant.
Coding change: c.1315+1G>T on transcript NM_014804.3 (MANE Select); the canonical splice donor site of the intron after coding-DNA position 1315, G replaced by T.
Molecular consequence: splice donor variant.
Genome position (GRCh38, 1-based): chr17:6,620,787, C>A on the plus strand (G>T on the coding strand, the complement: KIAA0753 is on the minus strand). VCF-style: chr17-6620787-C-A. GRCh37 (hg19) VCF-style: chr17-6524107-C-A.
Other names: c.418+1G>T (NM_001351225.2).
Identifiers: ClinVar variation 1349501 (VCV001349501.8), dbSNP rs771455309, ClinGen allele CA8330537.

ClinVar aggregate classification (germline): Likely pathogenic. Review status: criteria provided, multiple submitters, no conflicts (2 of 4 stars). 2 submissions from 2 submitters: Likely pathogenic (2). Last evaluated 2025-05-07.

Conditions:
KIAA0753-related disorder.

gnomAD v4.1: 21 of 1,613,590 alleles (0.0013%); highest among the groups gnomAD compares: Non-Finnish European, 0.0015%; no homozygotes.

Submissions (2):

Labcorp Genetics (formerly Invitae), Labcorp
Classification: Likely pathogenic. Last evaluated: 2025-05-07. Review status: criteria provided, single submitter. Criteria: Invitae Variant Classification Sherloc (09022015). Collection method: clinical testing. Allele origin: germline.
Comment: This sequence change affects a donor splice site in intron 7 of the KIAA0753 gene. It is expected to disrupt RNA splicing. Variants that disrupt the donor or acceptor splice site typically lead to a loss of protein function (PMID: 16199547), and loss-of-function variants in KIAA0753 are known to be pathogenic (PMID: 29138412). This variant is present in population databases (rs771455309, gnomAD 0.003%). This variant has not been reported in the literature in individuals affected with KIAA0753-related conditions. ClinVar contains an entry for this variant (Variation ID: 1349501). Algorithms developed to predict the effect of sequence changes on RNA splicing suggest that this variant may disrupt the consensus splice site. In summary, the currently available evidence indicates that the variant is pathogenic, but additional data are needed to prove that conclusively. Therefore, this variant has been classified as Likely Pathogenic.

Blueprint Genetics
Classification: Likely pathogenic for KIAA0753-related disorders. Last evaluated: 2023-04-28. Review status: criteria provided, single submitter. Criteria: ACMG Guidelines, 2015. Collection method: clinical testing. Allele origin: germline. Affected: yes. Observed: 5 variant alleles.

Literature cited by the submitters: PubMed 16199547 (cited by Labcorp Genetics (formerly Invitae), Labcorp); PubMed 29138412 (cited by Labcorp Genetics (formerly Invitae), Labcorp).